The following is an entry in ClinVar:

NM_001374736.1(DST):c.20612C>T (p.Thr6871Ile)

Gene: DST (dystonin; minus strand). Cytogenetic location: 6p12.1.
Variant type: single nucleotide variant.
Coding change: c.20612C>T on transcript NM_001374736.1 (MANE Select); coding-DNA position 20612, C replaced by T.
Protein change: p.Thr6871Ile; replaces threonine 6871 with isoleucine.
Molecular consequence: missense variant.
Genome position (GRCh38, 1-based): chr6:56,492,372, G>A on the plus strand (C>T on the coding strand, the complement: DST is on the minus strand). VCF-style: chr6-56492372-G-A. GRCh37 (hg19) VCF-style: chr6-56357170-G-A.
Other names: c.14255C>T, p.Thr4752Ile (NM_001144769.5); c.13841C>T, p.Thr4614Ile (NM_001144770.2); c.20612C>T, p.Thr6871Ile (NM_001374722.1); c.19652C>T, p.Thr6551Ile (NM_001374729.1); c.13394C>T, p.Thr4465Ile (NM_001374730.1); c.20639C>T, p.Thr6880Ile (NM_001374734.1); c.12743C>T, p.Thr4248Ile (NM_015548.5); c.13721C>T, p.Thr4574Ile (NM_183380.4); short protein forms T4614I, T4465I, T4752I, T6871I, T4248I, T4574I, T6551I, T6880I.
Identifiers: ClinVar variation 965812 (VCV000965812.8), dbSNP rs2095778341, ClinGen allele CA364515459.

ClinVar aggregate classification (germline): Uncertain significance (1 of 4 stars; one submission).

Conditions:
Hereditary sensory and autonomic neuropathy type 6. Also called: Neuropathy, hereditary sensory and autonomic, type VI; HSAN VI. Identifiers: Orphanet 314381, MedGen C3539003, MONDO:0013839, OMIM 614653.
Epidermolysis bullosa simplex 3, localized or generalized intermediate, with BP230 deficiency (EBS3). Also called: Epidermolysis bullosa simplex, autosomal recessive 2; Epidermolysis bullosa simplex due to BP230 deficiency. Identifiers: Orphanet 412181, MedGen C3809470, MONDO:0014180, OMIM 615425.

gnomAD v4.1: 4 of 1,613,762 alleles (0.00025%); highest among the groups gnomAD compares: Non-Finnish European, 0.00034%; no homozygotes.

Submission:

Labcorp Genetics (formerly Invitae), Labcorp
Classification: Uncertain significance for Epidermolysis bullosa simplex 3, localized or generalized intermediate, with BP230 deficiency; Hereditary sensory and autonomic neuropathy type 6. Last evaluated: 2019-11-01. Review status: criteria provided, single submitter. Criteria: Invitae Variant Classification Sherloc (09022015). Collection method: clinical testing. Allele origin: germline.
Comment: In summary, the available evidence is currently insufficient to determine the role of this variant in disease. Therefore, it has been classified as a Variant of Uncertain Significance. Algorithms developed to predict the effect of missense changes on protein structure and function are either unavailable or do not agree on the potential impact of this missense change (SIFT: "Tolerated"; PolyPhen-2: "Not Available"; Align-GVGD: "Class C0"). This variant has not been reported in the literature in individuals with DST-related conditions. This variant is not present in population databases (ExAC no frequency). This sequence change replaces threonine with isoleucine at codon 4248 of the DST protein (p.Thr4248Ile). The threonine residue is highly conserved and there is a moderate physicochemical difference between the two amino acids. The DST gene has multiple clinically relevant transcripts. This variant occurs in alternate transcript NM_015548.4, and corresponds to NM_001723.5:c.*123145C>T in the primary transcript.